The following is an entry in ClinVar:

NM_000143.4(FH):c.1237-3A>T

Gene: FH (fumarate hydratase; minus strand). Cytogenetic location: 1q43.
Variant type: single nucleotide variant.
Coding change: c.1237-3A>T on transcript NM_000143.4 (MANE Select); 3 bases into the intron before coding-DNA position 1237, A replaced by T.
Molecular consequence: intron variant.
Genome position (GRCh38, 1-based): chr1:241,500,593, T>A on the plus strand (A>T on the coding strand, the complement: FH is on the minus strand). VCF-style: chr1-241500593-T-A. GRCh37 (hg19) VCF-style: chr1-241663893-T-A.
Identifiers: ClinVar variation 1411240 (VCV001411240.3), dbSNP rs2147913409, ClinGen allele CA2573132911.

ClinVar aggregate classification (germline): Uncertain significance (1 of 4 stars; one submission).

Submission:

Labcorp Genetics (formerly Invitae), Labcorp
Classification: Uncertain significance. Last evaluated: 2022-07-06. Review status: criteria provided, single submitter. Criteria: Invitae Variant Classification Sherloc (09022015). Collection method: clinical testing. Allele origin: germline.
Comment: This sequence change falls in intron 8 of the FH gene. It does not directly change the encoded amino acid sequence of the FH protein. It affects a nucleotide within the consensus splice site. This variant is not present in population databases (gnomAD no frequency). This variant has not been reported in the literature in individuals affected with FH-related conditions. ClinVar contains an entry for this variant (Variation ID: 1411240). Variants that disrupt the consensus splice site are a relatively common cause of aberrant splicing (PMID: 17576681, 9536098). Algorithms developed to predict the effect of sequence changes on RNA splicing suggest that this variant may disrupt the consensus splice site. In summary, the available evidence is currently insufficient to determine the role of this variant in disease. Therefore, it has been classified as a Variant of Uncertain Significance.

Literature cited by the submitters: PubMed 17576681; PubMed 9536098.